The following is an entry in ClinVar:

NM_001370259.2(MEN1):c.1394_1402dup (p.462AEA[3])

Gene: MEN1 (menin 1; minus strand). Cytogenetic location: 11q13.1.
Variant type: Duplication.
Coding change: c.1394_1402dup on transcript NM_001370259.2 (MANE Select); coding-DNA positions 1394 to 1402, 9 bases duplicated (CCGAGGCCG; older notation c.1394_1402dupCCGAGGCCG).
Protein change: p.462AEA[3].
Molecular consequence: inframe insertion.
Genome position (GRCh38, 1-based): chr11:64,804,765-64,804,773, CGGCCTCGG duplicated on the plus strand (CCGAGGCCG on the coding strand, the reverse complement: MEN1 is on the minus strand); duplicating any 9 consecutive bases within chr11:64,804,765-64,804,774 gives the same sequence; the c. name uses the placement nearest the transcript's 3' end. VCF-style (leftmost placement, unchanged base first): chr11-64804764-T-TCGGCCTCGG. GRCh37 (hg19) VCF-style: chr11-64572236-T-TCGGCCTCGG.
Other names: c.1394_1402dupCCGAGGCCG (NM_130799.2); c.1394_1402dup, p.462AEA[3] (NM_130799.3, NM_001370260.2, NM_001370261.2); c.1409_1417dup, p.467AEA[3] (NM_130800.3, NM_130801.3, NM_130802.3 and 3 more transcripts); c.1520_1528dup, p.504AEA[3] (NM_001370251.2); c.1289_1297dup, p.427AEA[3] (NM_001370262.2, NM_001370263.2).
Identifiers: ClinVar variation 664933 (VCV000664933.13), dbSNP rs1592633710, ClinGen allele CA915948601.
Genomic context (GRCh38, chr11:64,804,764, plus strand): 5'-TTGGACTCCCGCCGTGGGCCCCGCCGCCGGCCTTCCCGGGCTTCCTCGCCCCACGGCTCC[T>TCGGCCTCGG]CGGCCTCGGCCGCCTCGGCCTCTCGGCTCACTATGCGCACCTTCTGCCGCACCTGGGCCA-3'

ClinVar aggregate classification (germline): Uncertain significance. Review status: criteria provided, multiple submitters, no conflicts (2 of 4 stars). 3 submissions from 3 submitters: Uncertain significance (3). Last evaluated 2024-12-04.

Conditions:
Hereditary cancer-predisposing syndrome. Also called: Neoplastic Syndromes, Hereditary; Hereditary neoplastic syndrome; Tumor predisposition; Hereditary Cancer Syndrome. Identifiers: Orphanet 140162, MedGen C0027672, MeSH D009386, MONDO:0015356.
Multiple endocrine neoplasia, type 1 (MEN1). Also called: MEA I; MEN I; WERMER SYNDROME; Endocrine adenomatosis multiple; MEN 1. Identifiers: Orphanet 652, MedGen C0025267, MeSH D018761, MONDO:0007540, OMIM 131100.

Submissions (3):

Labcorp Genetics (formerly Invitae), Labcorp
Classification: Uncertain significance for Multiple endocrine neoplasia, type 1. Last evaluated: 2024-12-04. Review status: criteria provided, single submitter. Criteria: Invitae Variant Classification Sherloc (09022015). Collection method: clinical testing. Allele origin: germline.
Comment: This variant, c.1394_1402dup, results in the insertion of 3 amino acid(s) of the MEN1 protein (p.Ala465_Ala467dup), but otherwise preserves the integrity of the reading frame. This variant is not present in population databases (gnomAD no frequency). This variant has not been reported in the literature in individuals affected with MEN1-related conditions. ClinVar contains an entry for this variant (Variation ID: 664933). Experimental studies and prediction algorithms are not available or were not evaluated, and the functional significance of this variant is currently unknown. In summary, the available evidence is currently insufficient to determine the role of this variant in disease. Therefore, it has been classified as a Variant of Uncertain Significance.

Ambry Genetics
Classification: Uncertain significance for Hereditary cancer-predisposing syndrome. Last evaluated: 2023-10-13. Review status: criteria provided, single submitter. Criteria: Ambry Variant Classification Scheme 2023. Collection method: clinical testing. Allele origin: germline.
Comment: The c.1394_1402dupCCGAGGCCG variant (also known as p.A465_A467dup), located in coding exon 9 of the MEN1 gene, results from an in-frame duplication of CCGAGGCCG at nucleotide positions 1394 to 1402. This results in the duplication of 3 extra residues (AEA) between codons 465 and 467. These amino acid positions are well conserved in available vertebrate species. In addition, this alteration is predicted to be neutral by in silico analysis (Choi Y et al. PLoS ONE. 2012; 7(10):e46688). Since supporting evidence is limited at this time, the clinical significance of this alteration remains unclear.

All of Us Research Program, National Institutes of Health
Classification: Uncertain significance for Multiple endocrine neoplasia, type 1. Last evaluated: 2023-06-26. Review status: criteria provided, single submitter. Criteria: ACMG Guidelines, 2015. Collection method: clinical testing. Allele origin: germline. Inheritance: Autosomal dominant inheritance. Observed: 1 variant allele, 1 heterozygote.
Comment: This variant causes an in-frame duplication of three amino acids (Ala465, Glu466 and Ala467) in the MEN1 protein. To our knowledge, functional studies have not been reported for this variant. This variant has not been reported in individuals affected with MEN1-related disorders in the literature. This variant has not been identified in the general population by the Genome Aggregation Database (gnomAD). The available evidence is insufficient to determine the role of this variant in disease conclusively. Therefore, this variant is classified as a Variant of Uncertain Significance.

This study involves interpretation of variants in research participants for the purpose of population health screening. Participant phenotype was not available at the time of variant classification. Additional details can be found in publication PMID: 35346344, PMCID: PMC8962531